The following is an entry in ClinVar:

NM_000350.3(ABCA4):c.183G>C (p.Met61Ile)

Gene: ABCA4 (ATP binding cassette subfamily A member 4; minus strand). Cytogenetic location: 1p22.1.
Variant type: single nucleotide variant.
Coding change: c.183G>C on transcript NM_000350.3 (MANE Select); coding-DNA position 183, G replaced by C.
Protein change: p.Met61Ile; replaces methionine 61 with isoleucine.
Molecular consequence: missense variant.
Genome position (GRCh38, 1-based): chr1:94,111,557, C>G on the plus strand (G>C on the coding strand, the complement: ABCA4 is on the minus strand). VCF-style: chr1-94111557-C-G. GRCh37 (hg19) VCF-style: chr1-94577113-C-G.
Other names: c.183G>C, p.Met61Ile (NM_001425324.1); short protein forms M61I.
Identifiers: ClinVar variation 963276 (VCV000963276.11), dbSNP rs750987349, ClinGen allele CA958898.

ClinVar aggregate classification (germline): Pathogenic. Review status: criteria provided, multiple submitters, no conflicts (2 of 4 stars). 2 submissions from 2 submitters: Pathogenic (2). Last evaluated 2026-05-29.

Conditions:
Stargardt disease (FFM). Also called: Stargardt's disease; Fundus flavimaculatus. Identifiers: Orphanet 827, MedGen C0271093, MONDO:0019353.

Allele frequency attached by ClinVar (database versions not stated): gnomAD exomes below 0.00001; gnomAD 0.00001; ExAC 0.00001; TOPMed 0.00002.
gnomAD v4.1: 8 of 1,614,120 alleles (0.0005%); no homozygotes.

Submissions (2):

Women's Health and Genetics/Laboratory Corporation of America, LabCorp
Classification: Pathogenic for Stargardt disease. Last evaluated: 2026-05-29. Review status: criteria provided, single submitter. Criteria: LabCorp Variant Classification Summary - May 2015. Collection method: clinical testing. Allele origin: germline.
Comment: Variant summary: ABCA4 c.183G>C (p.Met61Ile) results in a conservative amino acid change in the encoded protein sequence. Algorithms developed to predict the effect of missense changes on protein structure and function are either unavailable or do not agree on the potential impact of this missense change. The variant allele was found at a frequency of 4e-06 in 251440 control chromosomes. c.183G>C has been observed in the presumed compound heterozygous state in at least 2 individual(s) affected with ABCA4-related conditions (example, Fujinami_2019). These data indicate that the variant may be associated with disease. To our knowledge, no experimental evidence demonstrating an impact on protein function has been reported. Internally validated machine learning-based Evidence Modeling of protein sequence and biophysical properties (such as structural, functional, and spatial information, amino acid conservation, physicochemical variation, residue mobility, and thermodynamic stability) indicates that this missense variant is expected to disrupt protein function with a positive predictive value of at least 95%. The following publication has been ascertained in the context of this evaluation (PMID: 29925512). ClinVar contains an entry for this variant (Variation ID: 963276). Based on the evidence outlined above, the variant was classified as pathogenic.

Labcorp Genetics (formerly Invitae), Labcorp
Classification: Pathogenic. Last evaluated: 2025-12-13. Review status: criteria provided, single submitter. Criteria: Invitae Variant Classification Sherloc (09022015). Collection method: clinical testing. Allele origin: germline.
Comment: This sequence change replaces methionine, which is neutral and non-polar, with isoleucine, which is neutral and non-polar, at codon 61 of the ABCA4 protein (p.Met61Ile). This variant is present in population databases (rs750987349, gnomAD 0.01%). This missense change has been observed in individuals with Stargardt disease (PMID: 29925512). ClinVar contains an entry for this variant (Variation ID: 963276). Invitae Evidence Modeling of protein sequence and biophysical properties (such as structural, functional, and spatial information, amino acid conservation, physicochemical variation, residue mobility, and thermodynamic stability) indicates that this missense variant is expected to disrupt ABCA4 protein function with a positive predictive value of 95%. For these reasons, this variant has been classified as Pathogenic.

Literature cited by the submitters: PubMed 29925512 (cited by Women's Health and Genetics/Laboratory Corporation of America, LabCorp and Labcorp Genetics (formerly Invitae), Labcorp).